The following is an entry in ClinVar:

NM_024577.4(SH3TC2):c.1177+9C>T

Gene: SH3TC2 (SH3 domain and tetratricopeptide repeats 2; minus strand). Cytogenetic location: 5q32.
Variant type: single nucleotide variant.
Coding change: c.1177+9C>T on transcript NM_024577.4 (MANE Select); 9 bases into the intron after coding-DNA position 1177, C replaced by T.
Molecular consequence: intron variant.
Genome position (GRCh38, 1-based): chr5:149,028,668, G>A on the plus strand (C>T on the coding strand, the complement: SH3TC2 is on the minus strand). VCF-style: chr5-149028668-G-A. GRCh37 (hg19) VCF-style: chr5-148408231-G-A.
Other names: p.?.
Identifiers: ClinVar variation 543448 (VCV000543448.13), dbSNP rs375581325, ClinGen allele CA3499264.

ClinVar aggregate classification (germline): Likely benign. Review status: criteria provided, multiple submitters, no conflicts (2 of 4 stars). 3 submissions from 3 submitters: Likely benign (3). Last evaluated 2026-02-18.

Conditions:
Charcot-Marie-Tooth disease type 4. Also called: Charcot-Marie-Tooth disease, type IV; Charcot-Marie-Tooth, Type 4. Identifiers: Orphanet 64749, MedGen C4082197, MONDO:0018995.
SH3TC2-related disorder. Also called: SH3TC2-related disorders; SH3TC2-related condition. Identifiers: MedGen CN239303.

Allele frequency attached by ClinVar (database versions not stated): gnomAD exomes 0.00002 and 0.00004; TOPMed 0.00003; ExAC 0.00004; gnomAD 0.00004; ESP Exome Variant Server 0.00008.
gnomAD v4.1: 57 of 1,614,070 alleles (0.0035%); highest among the groups gnomAD compares: East Asian, 0.0067%; 1 homozygote.

Submissions (3):

PreventionGenetics, part of Exact Sciences
Classification: Likely benign for SH3TC2-related condition. Last evaluated: 2026-02-18. Review status: criteria provided, single submitter. Criteria: ACMG Guidelines, 2015. Collection method: clinical testing. Allele origin: germline.
Comment: This variant is classified as likely benign based on ACMG/AMP sequence variant interpretation guidelines (Richards et al. 2015 PMID: 25741868, with internal and published modifications).

Mayo Clinic Laboratories, Mayo Clinic
Classification: Likely benign. Last evaluated: 2025-03-31. Review status: criteria provided, single submitter. Criteria: ACMG Guidelines, 2015. Collection method: clinical testing. Allele origin: germline. Observed: 2 variant alleles.
Comment: BP4, BP7

Labcorp Genetics (formerly Invitae), Labcorp
Classification: Likely benign for Charcot-Marie-Tooth disease type 4. Last evaluated: 2025-03-04. Review status: criteria provided, single submitter. Criteria: Invitae Variant Classification Sherloc (09022015). Collection method: clinical testing. Allele origin: germline.